The following is an entry in ClinVar:

NM_021072.4(HCN1):c.2047C>T (p.Pro683Ser)

Gene: HCN1 (hyperpolarization activated cyclic nucleotide gated potassium channel 1; minus strand). Cytogenetic location: 5p12.
Variant type: single nucleotide variant.
Coding change: c.2047C>T on transcript NM_021072.4 (MANE Select); coding-DNA position 2047, C replaced by T.
Protein change: p.Pro683Ser; replaces proline 683 with serine.
Molecular consequence: missense variant.
Genome position (GRCh38, 1-based): chr5:45,262,547, G>A on the plus strand (C>T on the coding strand, the complement: HCN1 is on the minus strand). VCF-style: chr5-45262547-G-A. GRCh37 (hg19) VCF-style: chr5-45262649-G-A.
Other names: short protein forms P683S.
Identifiers: ClinVar variation 3771984 (VCV003771984.13).

ClinVar aggregate classification (germline): Uncertain significance (1 of 4 stars; one submission).

Submission:

CeGaT Center for Human Genetics Tuebingen
Classification: Uncertain significance. Last evaluated: 2024-12-01. Review status: criteria provided, single submitter. Criteria: CeGaT Center For Human Genetics Tuebingen Variant Classification Criteria Version 2. Collection method: clinical testing. Allele origin: germline. Affected: yes. Observed: 1 variant allele.
Comment: HCN1: PM2